The following is an entry in ClinVar:

NC_000003.11:g.(?_93754155)_(93755618_?)del

Gene: ARL13B (ARF like GTPase 13B; plus strand). Cytogenetic location: 3q11.1.
Variant type: Deletion.
Identifiers: ClinVar variation 3246903 (VCV003246903.1).

ClinVar aggregate classification (germline): Pathogenic (1 of 4 stars; one submission).

Conditions:
Joubert syndrome 8 (JBTS8). Identifiers: Orphanet 475, MedGen C2676771, MONDO:0012855, OMIM 612291.

Submission:

Labcorp Genetics (formerly Invitae), Labcorp
Classification: Pathogenic for Joubert syndrome 8. Last evaluated: 2023-03-08. Review status: criteria provided, single submitter. Criteria: Invitae Variant Classification Sherloc (09022015). Collection method: clinical testing. Allele origin: unknown.
Comment: For these reasons, this variant has been classified as Pathogenic. This variant disrupts a region of the ARL13B protein in which other variant(s) (p.Arg200His) have been determined to be pathogenic (Invitae). This suggests that this is a clinically significant region of the protein, and that variants that disrupt it are likely to be disease-causing. This variant has not been reported in the literature in individuals affected with ARL13B-related conditions. This variant is a gross deletion of the genomic region encompassing exon(s) 4-5 of the ARL13B gene. This variant would be expected to be in-frame, preserving the integrity of the reading frame.